The following is an entry in ClinVar:

NM_000214.3(JAG1):c.2595del (p.Met866fs)

Gene: JAG1 (jagged canonical Notch ligand 1; minus strand). Cytogenetic location: 20p12.2.
Variant type: Deletion.
Coding change: c.2595del on transcript NM_000214.3 (MANE Select); coding-DNA position 2595, one base deleted (C; older notation c.2595delC).
Protein change: p.Met866fs; shifts the reading frame from methionine 866.
Molecular consequence: frameshift variant.
Genome position (GRCh38, 1-based): chr20:10,641,870, G deleted on the plus strand (C on the coding strand, the reverse complement: JAG1 is on the minus strand); the first of 2 consecutive G bases (chr20:10,641,870-10,641,871); deleting either gives the same sequence. VCF-style (leftmost placement, unchanged base first): chr20-10641869-TG-T. GRCh37 (hg19) VCF-style: chr20-10622517-TG-T.
Other names: short protein forms M866fs.
Identifiers: ClinVar variation 3347399 (VCV003347399.1).
Genomic context (GRCh38, chr20:10,641,869, plus strand): 5'-GGCACTGGCAGGTATTACAGTCATCATCCCATTTGGCCCCATCTGGTATCACACTCCCCA[TG>T]GTGATGCAAGGTCTCCCTGAAACTGACAGGTGGAGACGGGTGAGCAGTTTATTTTTCTGT-3'

ClinVar aggregate classification (germline): Likely pathogenic (0 of 4 stars; one submission).

Conditions:
JAG1-related disorder. Also called: JAG1-related condition; JAG1-related disorders.

Submission:

PreventionGenetics, part of Exact Sciences
Classification: Likely pathogenic for JAG1-related condition. Last evaluated: 2024-06-16. Review status: no assertion criteria provided. Collection method: clinical testing. Allele origin: germline.
Comment: The JAG1 c.2595delC variant is predicted to result in a frameshift and premature protein termination (p.Met866Trpfs*4). To our knowledge, this variant has not been reported in the literature or in a large population database, indicating this variant is rare. Frameshift variants in JAG1 are expected to be pathogenic. This variant is interpreted as likely pathogenic.